The following is an entry in ClinVar:

ClinVar aggregate classification (germline): Uncertain significance (1 of 4 stars; one submission).

Conditions:
Lethal multiple pterygium syndrome (LMPS). Identifiers: Orphanet 33108, MedGen C1854678, MONDO:0009668, OMIM 253290.

Allele frequency attached by ClinVar (database versions not stated): gnomAD exomes below 0.00001.
gnomAD v4.1: 1 of 1,613,824 alleles (0.000062%); highest among the groups gnomAD compares: Non-Finnish European, 0.000085%; no homozygotes.

Submission:

Labcorp Genetics (formerly Invitae), Labcorp
Classification: Uncertain significance for Lethal multiple pterygium syndrome. Last evaluated: 2022-01-17. Review status: criteria provided, single submitter. Criteria: Invitae Variant Classification Sherloc (09022015). Collection method: clinical testing. Allele origin: germline.
Comment: This variant has not been reported in the literature in individuals affected with CHRND-related conditions. In summary, the available evidence is currently insufficient to determine the role of this variant in disease. Therefore, it has been classified as a Variant of Uncertain Significance. Algorithms developed to predict the effect of missense changes on protein structure and function are either unavailable or do not agree on the potential impact of this missense change (SIFT: "Deleterious"; PolyPhen-2: "Benign"; Align-GVGD: "Class C35"). This variant is present in population databases (no rsID available, gnomAD 0.0009%). This sequence change replaces tyrosine, which is neutral and polar, with histidine, which is basic and polar, at codon 174 of the CHRND protein (p.Tyr174His).

NM_000751.3(CHRND):c.520T>C (p.Tyr174His)

Gene: CHRND (cholinergic receptor nicotinic delta subunit; plus strand). Cytogenetic location: 2q37.1.
Variant type: single nucleotide variant.
Coding change: c.520T>C on transcript NM_000751.3 (MANE Select); coding-DNA position 520, T replaced by C.
Protein change: p.Tyr174His; replaces tyrosine 174 with histidine.
Molecular consequence: missense variant. On other transcripts: intron variant (1).
Genome position (GRCh38, 1-based): chr2:232,528,872, T>C. VCF-style: chr2-232528872-T-C. GRCh37 (hg19) VCF-style: chr2-233393582-T-C.
Other names: c.475T>C, p.Tyr159His (NM_001256657.2); c.217T>C, p.Tyr73His (NM_001311196.2); c.238+216T>C (NM_001311195.2); short protein forms Y159H, Y174H, Y73H.
Identifiers: ClinVar variation 1922728 (VCV001922728.5), dbSNP rs1301976947, ClinGen allele CA350998757.